The following is an entry in ClinVar:

NM_024513.4(FYCO1):c.3399C>T (p.Thr1133=)

Gene: FYCO1 (FYVE and coiled-coil domain autophagy adaptor 1; minus strand). Cytogenetic location: 3p21.31.
Variant type: single nucleotide variant.
Coding change: c.3399C>T on transcript NM_024513.4 (MANE Select); coding-DNA position 3399, C replaced by T.
Protein change: p.Thr1133=; no amino-acid change (threonine 1133 retained).
Molecular consequence: synonymous variant. On other transcripts: non-coding transcript variant (1).
Genome position (GRCh38, 1-based): chr3:45,962,263, G>A on the plus strand (C>T on the coding strand, the complement: FYCO1 is on the minus strand). VCF-style: chr3-45962263-G-A. GRCh37 (hg19) VCF-style: chr3-46003755-G-A.
Other names: c.3399C>T, p.Thr1133= (NM_001386421.1, NM_001386422.1, NM_001386423.1 and 4 more transcripts); c.3279C>T, p.Thr1093= (NM_001386426.1); c.3255C>T, p.Thr1085= (NM_001386427.1); c.2799C>T, p.Thr933= (NM_001386430.1).
Identifiers: ClinVar variation 4985977 (VCV004985977.1).
Genomic context (GRCh38, chr3:45,962,263, plus strand): 5'-GCTGGTTTGACACAGCACTCACCTGAGCAGCTCTATCAGCCGCTCCTCGAGATACTTCTT[G>A]GTTCTGTTGAGGTCATCCAGGTCAGCAAGCATCTTCTGGTCATTCCTCTCACGATTTGTC-3'
Protein context (NP_078789.2, residues 1123-1143): MLADLDDLNR[Thr1133=]KKYLEERLIE

ClinVar aggregate classification (germline): Likely benign (1 of 4 stars; one submission).

Conditions:
FYCO1-related disorder. Also called: FYCO1-related condition.

gnomAD v4.1: 2 of 1,614,226 alleles (0.00012%); highest among the groups gnomAD compares: Non-Finnish European, 0.00017%; no homozygotes.

Submission:

PreventionGenetics, part of Exact Sciences
Classification: Likely benign for FYCO1-related condition. Last evaluated: 2025-04-22. Review status: criteria provided, single submitter. Criteria: ACMG Guidelines, 2015. Collection method: clinical testing. Allele origin: germline.
Comment: This variant is classified as likely benign based on ACMG/AMP sequence variant interpretation guidelines (Richards et al. 2015 PMID: 25741868, with internal and published modifications).